The following is an entry in ClinVar:

ClinVar aggregate classification (germline): Pathogenic (1 of 4 stars; one submission).

Allele frequency attached by ClinVar (database versions not stated): gnomAD exomes below 0.00001 and 0.00001.

Submission:

Labcorp Genetics (formerly Invitae), Labcorp
Classification: Pathogenic. Last evaluated: 2025-01-29. Review status: criteria provided, single submitter. Criteria: Invitae Variant Classification Sherloc (09022015). Collection method: clinical testing. Allele origin: germline.
Comment: This sequence change creates a premature translational stop signal (p.Arg102*) in the CEP250 gene. It is expected to result in an absent or disrupted protein product. Loss-of-function variants in CEP250 are known to be pathogenic (PMID: 24780881, 29718797). The frequency data for this variant in the population databases is considered unreliable, as metrics indicate poor data quality at this position in the gnomAD database. This variant has not been reported in the literature in individuals affected with CEP250-related conditions. ClinVar contains an entry for this variant (Variation ID: 938452). Algorithms developed to predict the effect of sequence changes on RNA splicing suggest that this variant may disrupt the consensus splice site. For these reasons, this variant has been classified as Pathogenic.

Literature cited by the submitters: PubMed 24780881; PubMed 29718797.

NM_007186.6(CEP250):c.304C>T (p.Arg102Ter)

Gene: CEP250 (centrosomal protein 250; plus strand). Cytogenetic location: 20q11.22.
Variant type: single nucleotide variant.
Coding change: c.304C>T on transcript NM_007186.6 (MANE Select); coding-DNA position 304, C replaced by T.
Protein change: p.Arg102Ter; replaces arginine 102 with a stop codon.
Molecular consequence: nonsense. On other transcripts: 5 prime UTR variant (1).
Genome position (GRCh38, 1-based): chr20:35,465,803, C>T. VCF-style: chr20-35465803-C-T. GRCh37 (hg19) VCF-style: chr20-34053628-C-T.
Other names: c.-1596C>T (NM_001318219.1); short protein forms R102*.
Identifiers: ClinVar variation 938452 (VCV000938452.7), dbSNP rs1266064055, ClinGen allele CA408752819.